The following is an entry in ClinVar:

NM_000257.4(MYH7):c.1223A>G (p.Asn408Ser)

Gene: MYH7 (myosin heavy chain 7; minus strand). Cytogenetic location: 14q11.2.
Variant type: single nucleotide variant.
Coding change: c.1223A>G on transcript NM_000257.4 (MANE Select); coding-DNA position 1223, A replaced by G.
Protein change: p.Asn408Ser; replaces asparagine 408 with serine.
Molecular consequence: missense variant.
Genome position (GRCh38, 1-based): chr14:23,429,263, T>C on the plus strand (A>G on the coding strand, the complement: MYH7 is on the minus strand). VCF-style: chr14-23429263-T-C. GRCh37 (hg19) VCF-style: chr14-23898472-T-C.
Other names: c.1223A>G, p.Asn408Ser (NM_001407004.1); short protein forms N408S.
Identifiers: ClinVar variation 4680905 (VCV004680905.2).

ClinVar aggregate classification (germline): Uncertain significance. Review status: criteria provided, multiple submitters, no conflicts (2 of 4 stars). 2 submissions from 2 submitters: Uncertain significance (2). Last evaluated 2025-09-05.

Conditions:
Cardiomyopathy (CMYO). Also called: Cardiomyopathies. Identifiers: Orphanet 167848, MedGen C0878544, MONDO:0004994, HP:0001638. Inheritance: Various modes of inheritance.

Submissions (2):

Color Diagnostics, LLC DBA Color Health
Classification: Uncertain significance for Cardiomyopathy. Last evaluated: 2025-09-05. Review status: criteria provided, single submitter. Criteria: ACMG Guidelines, 2015. Collection method: clinical testing. Allele origin: germline.
Comment: This missense variant replaces asparagine with serine at codon 408 of the MYH7 protein. Computational prediction suggests that this variant may have deleterious impact on protein structure and function. To our knowledge, functional studies have not been reported for this variant. This variant has not been reported in individuals affected with MYH7-related disorders in the literature. This variant has not been identified in the general population by the Genome Aggregation Database (gnomAD). The available evidence is insufficient to determine the role of this variant in disease conclusively. Therefore, this variant is classified as a Variant of Uncertain Significance.

GeneDx
Classification: Uncertain significance. Last evaluated: 2025-07-02. Review status: criteria provided, single submitter. Criteria: GeneDx Variant Classification Process June 2021. Collection method: clinical testing. Allele origin: germline. Affected: yes.
Comment: Not observed at significant frequency in large population cohorts (gnomAD); In silico analysis supports that this missense variant has a deleterious effect on protein structure/function; Has not been previously published as pathogenic or benign to our knowledge; This variant is associated with the following publications: (PMID: 27532257, 29300372)